The following is an entry in ClinVar:

NM_024577.4(SH3TC2):c.*882G>A

Gene: SH3TC2 (SH3 domain and tetratricopeptide repeats 2; minus strand). Cytogenetic location: 5q32.
Variant type: single nucleotide variant.
Coding change: c.*882G>A on transcript NM_024577.4 (MANE Select); 882 bases downstream of the stop codon, G replaced by A.
Molecular consequence: 3 prime UTR variant.
Genome position (GRCh38, 1-based): chr5:149,003,829, C>T on the plus strand (G>A on the coding strand, the complement: SH3TC2 is on the minus strand). VCF-style: chr5-149003829-C-T. GRCh37 (hg19) VCF-style: chr5-148383392-C-T.
Identifiers: ClinVar variation 351875 (VCV000351875.6), dbSNP rs775429372, ClinGen allele CA3498589.
Genomic context (GRCh38, chr5:149,003,829, plus strand): 5'-TGAGCCCCGGAGTCTGAGGTCGCAGGAAGCCCTGACTGTACCACTGAACTCCAGCCTGGG[C>T]AACAGAGGAGAAACTGTCTCAAAAAAAAAAAAAAAAAAAAAAGACATGTATTGGTATTCT-3'

ClinVar aggregate classification (germline): Conflicting classifications of pathogenicity. Review status: criteria provided, conflicting classifications (1 of 4 stars). 3 submissions from 2 submitters: Uncertain significance (1); Likely benign (1). 1 of the submissions does not count toward it. Last evaluated 2018-01-13.

Conditions:
Charcot-Marie-Tooth disease type 4C (CMT4C). Also called: CHARCOT-MARIE-TOOTH DISEASE, DEMYELINATING, AUTOSOMAL RECESSIVE, TYPE 4C; CMT 4C; Charcot-Marie-Tooth Neuropathy Type 4C (CMT4C); CHARCOT-MARIE-TOOTH DISEASE, DEMYELINATING, TYPE 4C; SH3TC2-Related Hereditary Motor and Sensory Neuropathy. Identifiers: Orphanet 99949, MedGen C1866636, MONDO:0011113, OMIM 601596.
Susceptibility to mononeuropathy of the median nerve, mild. Also called: CARPAL TUNNEL SYNDROME, SUSCEPTIBILITY TO. Identifiers: MedGen C3150596, MONDO:0013237, OMIM 613353.
Charcot-Marie-Tooth disease. Also called: Charcot-Marie-Tooth Neuropathy; Charcot-Marie-Tooth Hereditary Neuropathy. Identifiers: Orphanet 166, MedGen C0007959, MONDO:0015626.

Allele frequency attached by ClinVar (database versions not stated): TOPMed 0.00022; gnomAD 0.00026 and 0.00027; gnomAD exomes 0.00035; ExAC 0.00067.
gnomAD v4.1: 97 of 288,500 alleles (0.034%); highest among the groups gnomAD compares: Non-Finnish European, 0.0072%; 1 homozygote.

Submissions (3):

Illumina Laboratory Services, Illumina
Classification: Likely benign for Susceptibility to mononeuropathy of the median nerve, mild. Last evaluated: 2018-01-13. Review status: criteria provided, single submitter. Criteria: ICSL Variant Classification Criteria 13 December 2019. Collection method: clinical testing. Allele origin: germline.
Comment: This variant was observed in the ICSL laboratory as part of a predisposition screen in an ostensibly healthy population. It had not been previously curated by ICSL or reported in the Human Gene Mutation Database (HGMD: prior to June 1st, 2018), and was therefore a candidate for classification through an automated scoring system. Utilizing variant allele frequency, disease prevalence and penetrance estimates, and inheritance mode, an automated score was calculated to assess if this variant is too frequent to cause the disease. Based on the score and internal cut-off values, a variant classified as likely benign is not then subjected to further curation. The score for this variant resulted in a classification of likely benign for this disease.

Illumina Laboratory Services, Illumina
Classification: Uncertain significance for Charcot-Marie-Tooth disease type 4C. Last evaluated: 2018-01-13. Review status: criteria provided, single submitter. Criteria: ICSL Variant Classification Criteria 13 December 2019. Collection method: clinical testing. Allele origin: germline.

Genesis Genome Database
Classification: Uncertain significance for Charcot-Marie-Tooth disease. Last evaluated: 2019-08-14. Review status: no assertion criteria provided. Collection method: research. Allele origin: germline. Affected: yes. Not counted in ClinVar's aggregate classification.